The following is an entry in ClinVar:

ClinVar aggregate classification (germline): Pathogenic. Review status: criteria provided, multiple submitters, no conflicts (2 of 4 stars). 2 submissions from 2 submitters: Pathogenic (2). Last evaluated 2026-05-05.

Conditions:
Donnai-Barrow syndrome. Also called: DBS/FOAR SYNDROME; FACIOOCULOACOUSTICORENAL SYNDROME. Identifiers: Orphanet 2143, MedGen C1857277, MONDO:0009104, OMIM 222448.

gnomAD v4.1: 3 of 1,614,144 alleles (0.00019%); highest among the groups gnomAD compares: Non-Finnish European, 0.00025%; no homozygotes.

Submissions (2):

Myriad Genetics, Inc.
Classification: Pathogenic for Donnai-Barrow syndrome. Last evaluated: 2026-05-05. Review status: criteria provided, single submitter. Criteria: Myriad Autosomal Dominant, Autosomal Recessive and X-Linked Classification Criteria (2023). Collection method: clinical testing. Allele origin: unknown.
Comment: NM_004525.2(LRP2):c.4741C>T(R1581*) is expected to be pathogenic in the context of Donnai-Barrow syndrome. This variant is predicted to lead to an abnormal or absent protein product due to the creation of a premature termination codon in LRP2, a gene where loss-of-function variants are known to be pathogenic. Please note: this variant was assessed in the context of healthy population screening.

Laboratoire de Génétique Moléculaire, CHU Bordeaux
Classification: Pathogenic for Donnai-Barrow syndrome. Last evaluated: 2023-09-01. Review status: criteria provided, single submitter. Criteria: ACMG Guidelines, 2015. Collection method: clinical testing. Allele origin: germline. Affected: yes.

NM_004525.3(LRP2):c.4741C>T (p.Arg1581Ter)

Gene: LRP2 (LDL receptor related protein 2; minus strand). Cytogenetic location: 2q31.1.
Variant type: single nucleotide variant.
Coding change: c.4741C>T on transcript NM_004525.3 (MANE Select); coding-DNA position 4741, C replaced by T.
Protein change: p.Arg1581Ter; replaces arginine 1581 with a stop codon.
Molecular consequence: nonsense.
Genome position (GRCh38, 1-based): chr2:169,236,019, G>A on the plus strand (C>T on the coding strand, the complement: LRP2 is on the minus strand). VCF-style: chr2-169236019-G-A. GRCh37 (hg19) VCF-style: chr2-170092529-G-A.
Other names: short protein forms R1581*.
Identifiers: ClinVar variation 4056446 (VCV004056446.2).
Genomic context (GRCh38, chr2:169,236,019, plus strand): 5'-AGGGCCAGAAGATCTTGTCCTGGACAATGACAGTGCGCATGCTGCCGTCCATGCTGGCTC[G>A]CTCGATGCGAGGGTGGTGGCCCCAGTCAGACCAGAACAGTAGATGCTCACTGGGAAAGGA-3'